The following is an entry in ClinVar:

ClinVar aggregate classification (germline): Uncertain significance. Review status: criteria provided, multiple submitters, no conflicts (2 of 4 stars). 3 submissions from 3 submitters: Uncertain significance (3). Last evaluated 2023-05-17.

Conditions:
Intellectual disability-microcephaly-strabismus-behavioral abnormalities syndrome. Also called: White-Sutton Syndrome. Identifiers: Orphanet 468678, MedGen C4225351, MONDO:0014606, OMIM 616364.
Inborn genetic diseases. Identifiers: MedGen C0950123, MeSH D030342.

Allele frequency attached by ClinVar (database versions not stated): TOPMed below 0.00001; ExAC 0.00001; gnomAD 0.00001.
gnomAD v4.1: 6 of 1,614,048 alleles (0.00037%); highest among the groups gnomAD compares: Non-Finnish European, 0.00051%; no homozygotes.

Submissions (3):

Ambry Genetics
Classification: Uncertain significance for Inborn genetic diseases. Last evaluated: 2023-05-17. Review status: criteria provided, single submitter. Criteria: Ambry Variant Classification Scheme 2023. Collection method: clinical testing. Allele origin: germline.

Labcorp Genetics (formerly Invitae), Labcorp
Classification: Uncertain significance. Last evaluated: 2023-05-12. Review status: criteria provided, single submitter. Criteria: Invitae Variant Classification Sherloc (09022015). Collection method: clinical testing. Allele origin: germline.
Comment: In summary, the available evidence is currently insufficient to determine the role of this variant in disease. Therefore, it has been classified as a Variant of Uncertain Significance. Advanced modeling of protein sequence and biophysical properties (such as structural, functional, and spatial information, amino acid conservation, physicochemical variation, residue mobility, and thermodynamic stability) performed at Invitae indicates that this missense variant is not expected to disrupt POGZ protein function. ClinVar contains an entry for this variant (Variation ID: 2079158). This variant has not been reported in the literature in individuals affected with POGZ-related conditions. This variant is present in population databases (rs778409159, gnomAD 0.0009%). This sequence change replaces asparagine, which is neutral and polar, with lysine, which is basic and polar, at codon 1342 of the POGZ protein (p.Asn1342Lys).

Genome-Nilou Lab
Classification: Uncertain significance for Intellectual disability-microcephaly-strabismus-behavioral abnormalities syndrome. Last evaluated: 2023-04-11. Review status: criteria provided, single submitter. Criteria: ACMG Guidelines, 2015. Collection method: clinical testing. Allele origin: germline. Affected: no.

NM_015100.4(POGZ):c.4026T>G (p.Asn1342Lys)

Gene: POGZ (pogo transposable element derived with ZNF domain; minus strand). Cytogenetic location: 1q21.3.
Variant type: single nucleotide variant.
Coding change: c.4026T>G on transcript NM_015100.4 (MANE Select); coding-DNA position 4026, T replaced by G.
Protein change: p.Asn1342Lys; replaces asparagine 1342 with lysine.
Molecular consequence: missense variant.
Genome position (GRCh38, 1-based): chr1:151,405,009, A>C on the plus strand (T>G on the coding strand, the complement: POGZ is on the minus strand). VCF-style: chr1-151405009-A-C. GRCh37 (hg19) VCF-style: chr1-151377485-A-C.
Other names: c.3999T>G, p.Asn1333Lys (NM_001194937.2); c.3840T>G, p.Asn1280Lys (NM_001194938.2); c.4047T>G, p.Asn1349Lys (NM_001410860.1); c.3741T>G, p.Asn1247Lys (NM_145796.4); c.3867T>G, p.Asn1289Lys (NM_207171.2); c.4026T>G (NM_015100.3); short protein forms N1247K, N1280K, N1342K, N1333K, N1289K, N1349K.
Identifiers: ClinVar variation 2079158 (VCV002079158.7), dbSNP rs778409159, ClinGen allele CA1090870.